The following is an entry in ClinVar:

ClinVar aggregate classification (germline): Uncertain significance (1 of 4 stars; one submission).

gnomAD v4.1: 2 of 1,211,240 alleles (0.00017%); highest among the groups gnomAD compares: Non-Finnish European, 0.00022%; no homozygotes.

Submission:

GeneDx
Classification: Uncertain significance. Last evaluated: 2022-04-06. Review status: criteria provided, single submitter. Criteria: GeneDx Variant Classification Process June 2021. Collection method: clinical testing. Allele origin: germline. Affected: yes.
Comment: Not observed at significant frequency in large population cohorts (gnomAD); In silico analysis supports that this missense variant has a deleterious effect on protein structure/function; Has not been previously published as pathogenic or benign to our knowledge

NM_078629.4(MSL3):c.1004C>T (p.Pro335Leu)

Gene: MSL3 (MSL complex subunit 3; plus strand). Cytogenetic location: Xp22.2.
Variant type: single nucleotide variant.
Coding change: c.1004C>T on transcript NM_078629.4 (MANE Select); coding-DNA position 1004, C replaced by T.
Protein change: p.Pro335Leu; replaces proline 335 with leucine.
Molecular consequence: missense variant.
Genome position (GRCh38, 1-based): chrX:11,765,562, C>T. VCF-style: chrX-11765562-C-T. GRCh37 (hg19) VCF-style: chrX-11783681-C-T.
Other names: c.968C>T, p.Pro323Leu (NM_001193270.2); c.557C>T, p.Pro186Leu (NM_001282174.1); c.506C>T, p.Pro169Leu (NM_006800.4); c.1004C>T, p.Pro335Leu (NM_078628.2); short protein forms P169L, P186L, P323L, P335L.
Identifiers: ClinVar variation 1708851 (VCV001708851.2), dbSNP rs2053173531, ClinGen allele CA412065923.
Genomic context (GRCh38, chrX:11,765,562, plus strand): 5'-TGAATCCATCCACGCCACAGTCCACAGAGAGTCAGCCGACCACCGGTGAACCAGCCACCC[C>T]CAAAAGGCGCAAAGCTGAGCCAGAAGCATTGCAGTCTCTGAGGCGGTCCACGCGCCACAG-3'
Protein context (NP_523353.2, residues 325-345): SQPTTGEPAT[Pro335Leu]KRRKAEPEAL